The following is an entry in ClinVar:

ClinVar aggregate classification (germline): Pathogenic (1 of 4 stars; one submission).

Conditions:
Cardiovascular phenotype. Identifiers: MedGen CN230736.

Submission:

Ambry Genetics
Classification: Pathogenic for Cardiovascular phenotype. Last evaluated: 2025-10-24. Review status: criteria provided, single submitter. Criteria: Ambry Variant Classification Scheme 2023. Collection method: clinical testing. Allele origin: germline.
Comment: The c.2376dupC alteration, located in exon 9 (coding exon 9) of the KCNH2 gene, consists of a duplication of C at position 2376, causing a translational frameshift with a predicted alternate stop codon after amino acids. This alteration is expected to result in loss of function by premature protein truncation or nonsense-mediated mRNA decay. This variant was not reported in population-based cohorts in the Genome Aggregation Database (gnomAD). Based on the available evidence, this alteration is classified as pathogenic.

NM_000238.4(KCNH2):c.2376dup (p.Asp793fs)

Gene: KCNH2 (potassium voltage-gated channel subfamily H member 2; minus strand). Cytogenetic location: 7q36.1.
Variant type: Duplication.
Coding change: c.2376dup on transcript NM_000238.4 (MANE Select); coding-DNA position 2376, one base duplicated (C; older notation c.2376dupC).
Protein change: p.Asp793fs; shifts the reading frame from aspartic acid 793.
Molecular consequence: frameshift variant.
Genome position (GRCh38, 1-based): chr7:150,950,190, G duplicated on the plus strand (C on the coding strand, the reverse complement: KCNH2 is on the minus strand). VCF-style (leftmost placement, unchanged base first): chr7-150950189-C-CG. GRCh37 (hg19) VCF-style: chr7-150647277-C-CG.
Other names: c.1356dup, p.Asp453fs (NM_001204798.2, NM_172057.3); c.2088dup, p.Asp697Argfs (NM_001406753.1, NM_001406756.1); c.2199dup, p.Asp734Argfs (NM_001406755.1); c.2076dup, p.Asp693Argfs (NM_001406757.1); c.2376dup, p.Asp793Argfs (NM_172056.3); c.2376dupC (NM_000238.3); short protein forms D453fs, D793fs.
Identifiers: ClinVar variation 1790360 (VCV001790360.3), dbSNP rs2486024567, ClinGen allele CA2580077789.